The following is an entry in ClinVar:

ClinVar aggregate classification (germline): Uncertain significance. Review status: criteria provided, multiple submitters, no conflicts (2 of 4 stars). 2 submissions from 2 submitters: Uncertain significance (2). Last evaluated 2025-07-27.

Conditions:
Hereditary cancer-predisposing syndrome. Also called: Hereditary neoplastic syndrome; Tumor predisposition; Neoplastic Syndromes, Hereditary; Hereditary Cancer Syndrome. Identifiers: Orphanet 140162, MedGen C0027672, MeSH D009386, MONDO:0015356.
Neuroblastoma, susceptibility to, 3. Also called: ALK-Related Neuroblastic Tumor Susceptibility. Identifiers: Orphanet 635, MedGen C2751681, MONDO:0013083, OMIM 613014.

gnomAD v4.1: 3 of 1,614,200 alleles (0.00019%); highest among the groups gnomAD compares: African/African-American, 0.0013%; no homozygotes.

Submissions (2):

Labcorp Genetics (formerly Invitae), Labcorp
Classification: Uncertain significance for Neuroblastoma, susceptibility to, 3. Last evaluated: 2025-07-27. Review status: criteria provided, single submitter. Criteria: Invitae Variant Classification Sherloc (09022015). Collection method: clinical testing. Allele origin: germline.
Comment: This sequence change replaces lysine, which is basic and polar, with arginine, which is basic and polar, at codon 1003 of the ALK protein (p.Lys1003Arg). This variant is not present in population databases (gnomAD no frequency). This variant has not been reported in the literature in individuals affected with ALK-related conditions. ClinVar contains an entry for this variant (Variation ID: 2418764). An algorithm developed to predict the effect of missense changes on protein structure and function outputs the following: PolyPhen-2: "Benign". The arginine amino acid residue is found in multiple mammalian species, which suggests that this missense change does not adversely affect protein function. In summary, the available evidence is currently insufficient to determine the role of this variant in disease. Therefore, it has been classified as a Variant of Uncertain Significance.

Ambry Genetics
Classification: Uncertain significance for Hereditary cancer-predisposing syndrome. Last evaluated: 2024-11-25. Review status: criteria provided, single submitter. Criteria: Ambry Variant Classification Scheme 2023. Collection method: clinical testing. Allele origin: germline.
Comment: The p.K1003R variant (also known as c.3008A>G), located in coding exon 18 of the ALK gene, results from an A to G substitution at nucleotide position 3008. The lysine at codon 1003 is replaced by arginine, an amino acid with highly similar properties. This amino acid position is conserved. In addition, this alteration is predicted to be tolerated by in silico analysis. Since supporting evidence is limited at this time, the clinical significance of this alteration remains unclear.

NM_004304.5(ALK):c.3008A>G (p.Lys1003Arg)

Gene: ALK (ALK receptor tyrosine kinase; minus strand). Cytogenetic location: 2p23.2.
Variant type: single nucleotide variant.
Coding change: c.3008A>G on transcript NM_004304.5 (MANE Select); coding-DNA position 3008, A replaced by G.
Protein change: p.Lys1003Arg; replaces lysine 1003 with arginine.
Molecular consequence: missense variant.
Genome position (GRCh38, 1-based): chr2:29,226,981, T>C on the plus strand (A>G on the coding strand, the complement: ALK is on the minus strand). VCF-style: chr2-29226981-T-C. GRCh37 (hg19) VCF-style: chr2-29449847-T-C.
Other names: c.3008A>G (NM_004304.4); short protein forms K1003R.
Identifiers: ClinVar variation 2418764 (VCV002418764.9), dbSNP rs1573131736, ClinGen allele CA346467652.